The following is an entry in ClinVar:

NM_001354604.2(MITF):c.475C>T (p.Pro159Ser)

Gene: MITF (melanocyte inducing transcription factor; plus strand). Cytogenetic location: 3p13.
Variant type: single nucleotide variant.
Coding change: c.475C>T on transcript NM_001354604.2 (MANE Select); coding-DNA position 475, C replaced by T.
Protein change: p.Pro159Ser; replaces proline 159 with serine.
Molecular consequence: missense variant. On other transcripts: intron variant (1).
Genome position (GRCh38, 1-based): chr3:69,937,942, C>T. VCF-style: chr3-69937942-C-T. GRCh37 (hg19) VCF-style: chr3-69987093-C-T.
Other names: c.154C>T, p.Pro52Ser (NM_000248.4, NM_001184968.2, NM_198158.3); c.319C>T, p.Pro107Ser (NM_001184967.2, NM_001354608.2); c.472C>T, p.Pro158Ser (NM_001354605.2, NM_001354606.2, NM_006722.3); c.424C>T, p.Pro142Ser (NM_001354607.2); c.475C>T, p.Pro159Ser (NM_198159.3); c.427C>T, p.Pro143Ser (NM_198177.3); c.93+61C>T (NM_198178.3); short protein forms P107S, P52S, P159S, P142S, P143S, P158S.
Identifiers: ClinVar variation 2106619 (VCV002106619.4), dbSNP rs1221504326, ClinGen allele CA353560518.
Genomic context (GRCh38, chr3:69,937,942, plus strand): 5'-GTAAAGCAGTACCTTTCTACCACTTTAGCAAATAAACATGCCAACCAAGTCCTGAGCTTG[C>T]CATGTCCAAACCAGCCTGGCGATCATGTCATGCCACCGGTGCCGGGGAGCAGCGCACCCA-3'
Protein context (NP_001341533.1, residues 149-169): NKHANQVLSL[Pro159Ser]CPNQPGDHVM

ClinVar aggregate classification (germline): Uncertain significance. Review status: criteria provided, multiple submitters, no conflicts (2 of 4 stars). 2 submissions from 2 submitters: Uncertain significance (2). Last evaluated 2025-06-03.

Conditions:
Tietz syndrome (TADS). Also called: HYPOPIGMENTATION/DEAFNESS OF TIETZ; ALBINISM-DEAFNESS OF TIETZ; TIETZ ALBINISM-DEAFNESS SYNDROME. Identifiers: Orphanet 42665, MedGen C0391816, MONDO:0007077, OMIM 103500.
Waardenburg syndrome type 2A (WS2A). Also called: WAARDENBURG SYNDROME WITHOUT DYSTOPIA CANTHORUM. Identifiers: Orphanet 3440, MedGen C1860339, MONDO:0008671, OMIM 193510.
Melanoma, cutaneous malignant, susceptibility to, 8. Also called: MELANOMA AND RENAL CELL CARCINOMA, SUSCEPTIBILITY TO; Cutaneous malignant melanoma 8. Identifiers: Orphanet 293822, MedGen C3152204, MONDO:0013759, OMIM 614456.

Allele frequency attached by ClinVar (database versions not stated): gnomAD exomes below 0.00001.
gnomAD v4.1: 6 of 1,614,182 alleles (0.00037%); highest among the groups gnomAD compares: South Asian, 0.0022%; no homozygotes.

Submissions (2):

Labcorp Genetics (formerly Invitae), Labcorp
Classification: Uncertain significance for Melanoma, cutaneous malignant, susceptibility to, 8; Waardenburg syndrome type 2A; Tietz syndrome. Last evaluated: 2025-06-03. Review status: criteria provided, single submitter. Criteria: Invitae Variant Classification Sherloc (09022015). Collection method: clinical testing. Allele origin: germline.
Comment: This sequence change replaces proline, which is neutral and non-polar, with serine, which is neutral and polar, at codon 52 of the MITF protein (p.Pro52Ser). This variant is present in population databases (no rsID available, gnomAD 0.003%). This variant has not been reported in the literature in individuals affected with MITF-related conditions. ClinVar contains an entry for this variant (Variation ID: 2106619). Invitae Evidence Modeling of protein sequence and biophysical properties (such as structural, functional, and spatial information, amino acid conservation, physicochemical variation, residue mobility, and thermodynamic stability) indicates that this missense variant is not expected to disrupt MITF protein function with a negative predictive value of 80%. In summary, the available evidence is currently insufficient to determine the role of this variant in disease. Therefore, it has been classified as a Variant of Uncertain Significance.

GeneDx
Classification: Uncertain significance. Last evaluated: 2025-02-11. Review status: criteria provided, single submitter. Criteria: GeneDx Variant Classification Process June 2021. Collection method: clinical testing. Allele origin: germline. Affected: yes.
Comment: In silico analysis supports that this missense variant has a deleterious effect on protein structure/function; Has not been previously published as pathogenic or benign to our knowledge